The following is an entry in ClinVar:

ClinVar aggregate classification (germline): Uncertain significance (1 of 4 stars; one submission).

Submission:

GeneDx
Classification: Uncertain significance. Last evaluated: 2024-05-20. Review status: criteria provided, single submitter. Criteria: GeneDx Variant Classification Process June 2021. Collection method: clinical testing. Allele origin: germline. Affected: yes.
Comment: In silico analysis indicates that this missense variant does not alter protein structure/function; Has not been previously published as pathogenic or benign to our knowledge

NM_001039141.3(TRIOBP):c.77G>C (p.Cys26Ser)

Gene: TRIOBP (TRIO and F-actin binding protein; plus strand). Cytogenetic location: 22q13.1.
Variant type: single nucleotide variant.
Coding change: c.77G>C on transcript NM_001039141.3 (MANE Select); coding-DNA position 77, G replaced by C.
Protein change: p.Cys26Ser; replaces cysteine 26 with serine.
Molecular consequence: missense variant.
Genome position (GRCh38, 1-based): chr22:37,701,442, G>C. VCF-style: chr22-37701442-G-C. GRCh37 (hg19) VCF-style: chr22-38097449-G-C.
Other names: short protein forms C26S.
Identifiers: ClinVar variation 3381595 (VCV003381595.1).
Genomic context (GRCh38, chr22:37,701,442, plus strand): 5'-GGGATGCCCTGTGTGAACACTTTGAGGCCAACATACTTACCCAGAACCGCTGTCAAAACT[G>C]CTTCCACCCTGAGGAGGCCCATGGAGCAAGATACCAGGTGGGCCAGTTTTCCACGTGGTT-3'
Protein context (NP_001034230.1, residues 16-36): NILTQNRCQN[Cys26Ser]FHPEEAHGAR